The following is an entry in ClinVar:

NM_001031710.3(KLHL7):c.109A>T (p.Met37Leu)

Gene: KLHL7 (kelch like family member 7; plus strand). Cytogenetic location: 7p15.3.
Variant type: single nucleotide variant.
Coding change: c.109A>T on transcript NM_001031710.3 (MANE Select); coding-DNA position 109, A replaced by T.
Protein change: p.Met37Leu; replaces methionine 37 with leucine.
Molecular consequence: missense variant. On other transcripts: non-coding transcript variant (2).
Genome position (GRCh38, 1-based): chr7:23,106,135, A>T. VCF-style: chr7-23106135-A-T. GRCh37 (hg19) VCF-style: chr7-23145754-A-T.
Other names: c.109A>T, p.Met37Leu (NM_001172428.2); short protein forms M37L.
Identifiers: ClinVar variation 3695283 (VCV003695283.2).

ClinVar aggregate classification (germline): Uncertain significance (1 of 4 stars; one submission).

gnomAD v4.1: 1 of 1,610,532 alleles (0.000062%); highest among the groups gnomAD compares: Non-Finnish European, 0.000085%; no homozygotes.

Submission:

Labcorp Genetics (formerly Invitae), Labcorp
Classification: Uncertain significance. Last evaluated: 2024-03-02. Review status: criteria provided, single submitter. Criteria: Invitae Variant Classification Sherloc (09022015). Collection method: clinical testing. Allele origin: germline.
Comment: This sequence change replaces methionine, which is neutral and non-polar, with leucine, which is neutral and non-polar, at codon 37 of the KLHL7 protein (p.Met37Leu). This variant is not present in population databases (gnomAD no frequency). This variant has not been reported in the literature in individuals affected with KLHL7-related conditions. An algorithm developed to predict the effect of missense changes on protein structure and function (PolyPhen-2) suggests that this variant is likely to be tolerated. In summary, the available evidence is currently insufficient to determine the role of this variant in disease. Therefore, it has been classified as a Variant of Uncertain Significance.